The following is an entry in ClinVar:

NM_138420.4(AHNAK2):c.1616C>T (p.Pro539Leu)

Gene: AHNAK2 (AHNAK nucleoprotein 2; minus strand). Cytogenetic location: 14q32.33.
Variant type: single nucleotide variant.
Coding change: c.1616C>T on transcript NM_138420.4 (MANE Select); coding-DNA position 1616, C replaced by T.
Protein change: p.Pro539Leu; replaces proline 539 with leucine.
Molecular consequence: missense variant.
Genome position (GRCh38, 1-based): chr14:104,953,835, G>A on the plus strand (C>T on the coding strand, the complement: AHNAK2 is on the minus strand). VCF-style: chr14-104953835-G-A. GRCh37 (hg19) VCF-style: chr14-105420172-G-A.
Other names: c.1316C>T, p.Pro439Leu (NM_001350929.2); short protein forms P439L, P539L.
Identifiers: ClinVar variation 2644890 (VCV002644890.24), dbSNP rs143515877, ClinGen allele CA7383776.

ClinVar aggregate classification (germline): Likely benign (1 of 4 stars; one submission).

Allele frequency attached by ClinVar (database versions not stated): ESP Exome Variant Server 0.00008; 1000 Genomes Project 0.00020; 1000 Genomes Project 30x 0.00031.
gnomAD v4.1: 158 of 1,613,840 alleles (0.0098%); highest among the groups gnomAD compares: Admixed American, 0.022%; no homozygotes.

Submission:

CeGaT Center for Human Genetics Tuebingen
Classification: Likely benign. Last evaluated: 2023-07-01. Review status: criteria provided, single submitter. Criteria: CeGaT Center For Human Genetics Tuebingen Variant Classification Criteria Version 2. Collection method: clinical testing. Allele origin: germline. Affected: yes. Observed: 1 variant allele.
Comment: AHNAK2: BP4